The following is an entry in ClinVar:

NM_022114.4(PRDM16):c.2747C>T (p.Ala916Val)

Gene: PRDM16 (PR/SET domain 16; plus strand). Cytogenetic location: 1p36.32.
Variant type: single nucleotide variant.
Coding change: c.2747C>T on transcript NM_022114.4 (MANE Select); coding-DNA position 2747, C replaced by T.
Protein change: p.Ala916Val; replaces alanine 916 with valine.
Molecular consequence: missense variant.
Genome position (GRCh38, 1-based): chr1:3,417,883, C>T. VCF-style: chr1-3417883-C-T. GRCh37 (hg19) VCF-style: chr1-3334447-C-T.
Other names: c.2747C>T, p.Ala916Val (NM_199454.3); short protein forms A916V.
Identifiers: ClinVar variation 218791 (VCV000218791.16), dbSNP rs756209340, ClinGen allele CA249411.

ClinVar aggregate classification (germline): Conflicting classifications of pathogenicity. Review status: criteria provided, conflicting classifications (1 of 4 stars). 4 submissions from 4 submitters: Uncertain significance (3); Benign (1). Last evaluated 2026-02-01.

Conditions:
Inborn genetic diseases. Identifiers: MedGen C0950123, MeSH D030342.
Left ventricular noncompaction 8 (LVNC8). Identifiers: Orphanet 154, Orphanet 54260, MedGen C3809288, MONDO:0014152, OMIM 615373.

Allele frequency attached by ClinVar (database versions not stated): gnomAD 0.00006; gnomAD exomes 0.00006; TOPMed 0.00007; ExAC 0.00008.
gnomAD v4.1: 192 of 1,613,520 alleles (0.012%); highest among the groups gnomAD compares: Middle Eastern, 0.016%; no homozygotes.

Submissions (4):

Labcorp Genetics (formerly Invitae), Labcorp
Classification: Uncertain significance for Left ventricular noncompaction 8. Last evaluated: 2026-02-01. Review status: criteria provided, single submitter. Criteria: Invitae Variant Classification Sherloc (09022015). Collection method: clinical testing. Allele origin: germline.
Comment: This sequence change replaces alanine, which is neutral and non-polar, with valine, which is neutral and non-polar, at codon 916 of the PRDM16 protein (p.Ala916Val). This variant is present in population databases (rs756209340, gnomAD 0.01%). This variant has not been reported in the literature in individuals affected with PRDM16-related conditions. ClinVar contains an entry for this variant (Variation ID: 218791). An algorithm developed to predict the effect of missense changes on protein structure and function outputs the following: PolyPhen-2: "Benign". The valine amino acid residue is found in multiple mammalian species, which suggests that this missense change does not adversely affect protein function. In summary, the available evidence is currently insufficient to determine the role of this variant in disease. Therefore, it has been classified as a Variant of Uncertain Significance.

Ambry Genetics
Classification: Uncertain significance for Inborn genetic diseases. Last evaluated: 2024-11-26. Review status: criteria provided, single submitter. Criteria: Ambry Variant Classification Scheme 2023. Collection method: clinical testing. Allele origin: germline.

GeneDx
Classification: Uncertain significance. Last evaluated: 2024-07-02. Review status: criteria provided, single submitter. Criteria: GeneDx Variant Classification Process June 2021. Collection method: clinical testing. Allele origin: germline. Affected: yes.
Comment: Has not been previously published as pathogenic or benign to our knowledge; In silico analysis supports that this missense variant does not alter protein structure/function

Genomic Diagnostic Laboratory, Division of Genomic Diagnostics, Children's Hospital of Philadelphia
Classification: Benign. Last evaluated: 2015-04-12. Review status: criteria provided, single submitter. Criteria: DGD Variant Analysis Guidelines. Collection method: clinical testing. Allele origin: unknown.